The following is an entry in ClinVar:

NM_003238.6(TGFB2):c.1140C>G (p.Cys380Trp)

Gene: TGFB2 (transforming growth factor beta 2; plus strand). Cytogenetic location: 1q41.
Variant type: single nucleotide variant.
Coding change: c.1140C>G on transcript NM_003238.6 (MANE Select); coding-DNA position 1140, C replaced by G.
Protein change: p.Cys380Trp; replaces cysteine 380 with tryptophan.
Molecular consequence: missense variant. On other transcripts: non-coding transcript variant (2).
Genome position (GRCh38, 1-based): chr1:218,441,257, C>G. VCF-style: chr1-218441257-C-G. GRCh37 (hg19) VCF-style: chr1-218614599-C-G.
Other names: c.1224C>G, p.Cys408Trp (NM_001135599.4); short protein forms C380W, C408W.
Identifiers: ClinVar variation 382809 (VCV000382809.3), dbSNP rs201129153, ClinGen allele CA16603492.

ClinVar aggregate classification (germline): Likely pathogenic (1 of 4 stars; one submission).

Submission:

GeneDx
Classification: Likely pathogenic. Last evaluated: 2026-10-01. Review status: criteria provided, single submitter. Criteria: GeneDx Variant Classification Process June 2021. Collection method: clinical testing. Allele origin: germline.
Comment: Not observed at significant frequency in large population cohorts (gnomAD); In silico analysis supports that this missense variant has a deleterious effect on protein structure/function; Has not been previously published as pathogenic or benign to our knowledge